The following is an entry in ClinVar:

NM_014679.5(CEP57):c.968A>T (p.Asn323Ile)

Gene: CEP57 (centrosomal protein 57; plus strand). Cytogenetic location: 11q21.
Variant type: single nucleotide variant.
Coding change: c.968A>T on transcript NM_014679.5 (MANE Select); coding-DNA position 968, A replaced by T.
Protein change: p.Asn323Ile; replaces asparagine 323 with isoleucine.
Molecular consequence: missense variant.
Genome position (GRCh38, 1-based): chr11:95,827,868, A>T. VCF-style: chr11-95827868-A-T. GRCh37 (hg19) VCF-style: chr11-95561032-A-T.
Other names: c.941A>T, p.Asn314Ile (NM_001243776.2); c.890A>T, p.Asn297Ile (NM_001243777.2); c.887A>T, p.Asn296Ile (NM_001363604.2); short protein forms N296I, N314I, N297I, N323I.
Identifiers: ClinVar variation 3662165 (VCV003662165.2).

ClinVar aggregate classification (germline): Uncertain significance (1 of 4 stars; one submission).

Conditions:
Mosaic variegated aneuploidy syndrome 2 (MVA2). Identifiers: Orphanet 1052, MedGen C3279843, MONDO:0013582, OMIM 614114.

Submission:

Labcorp Genetics (formerly Invitae), Labcorp
Classification: Uncertain significance for Mosaic variegated aneuploidy syndrome 2. Last evaluated: 2024-08-12. Review status: criteria provided, single submitter. Criteria: Invitae Variant Classification Sherloc (09022015). Collection method: clinical testing. Allele origin: germline.
Comment: This sequence change replaces asparagine, which is neutral and polar, with isoleucine, which is neutral and non-polar, at codon 323 of the CEP57 protein (p.Asn323Ile). This variant is not present in population databases (gnomAD no frequency). This variant has not been reported in the literature in individuals affected with CEP57-related conditions. Advanced modeling of protein sequence and biophysical properties (such as structural, functional, and spatial information, amino acid conservation, physicochemical variation, residue mobility, and thermodynamic stability) has been performed at Invitae for this missense variant, however the output from this modeling did not meet the statistical confidence thresholds required to predict the impact of this variant on CEP57 protein function. In summary, the available evidence is currently insufficient to determine the role of this variant in disease. Therefore, it has been classified as a Variant of Uncertain Significance.